The following is an entry in ClinVar:

NM_000179.3(MSH6):c.-2G>T

Gene: MSH6 (mutS homolog 6; plus strand). Cytogenetic location: 2p16.3.
Variant type: single nucleotide variant.
Coding change: c.-2G>T on transcript NM_000179.3 (MANE Select); 2 bases upstream of the start codon, G replaced by T.
Molecular consequence: 5 prime UTR variant. On other transcripts: non-coding transcript variant (5), splice donor variant (5).
Genome position (GRCh38, 1-based): chr2:47,783,232, G>T. VCF-style: chr2-47783232-G-T. GRCh37 (hg19) VCF-style: chr2-48010371-G-T.
Other names: c.-2G>T (NM_001281492.2, NM_001406795.1, NM_001406796.1 and 9 more transcripts); c.-738G>T (NM_001281493.2, NM_001406811.1); c.-330G>T (NM_001406799.1); c.-57G>T (NM_001406804.1); c.-930G>T (NM_001406807.1); c.-585G>T (NM_001406812.1); c.-996G>T (NM_001406814.1); c.-541G>T (NM_001406816.1); and 3 more.
Identifiers: ClinVar variation 142219 (VCV000142219.35), dbSNP rs374748889, ClinGen allele CA011320.

ClinVar aggregate classification (germline): Conflicting classifications of pathogenicity. Review status: criteria provided, conflicting classifications (1 of 4 stars). 14 submissions from 13 submitters: Uncertain significance (7); Likely benign (5). 2 of the submissions do not count toward it. Last evaluated 2025-11-17.

Conditions:
MSH6-related disorder. Also called: MSH6-Related disorders; MSH6-related condition.
Hereditary nonpolyposis colorectal neoplasms. Identifiers: MedGen C0009405, MeSH D003123.
Breast and/or ovarian cancer. Identifiers: MedGen CN221562.
Hereditary cancer-predisposing syndrome. Also called: Neoplastic Syndromes, Hereditary; Hereditary Cancer Syndrome; Tumor predisposition; Hereditary neoplastic syndrome. Identifiers: Orphanet 140162, MedGen C0027672, MeSH D009386, MONDO:0015356.
Lynch syndrome. Identifiers: Orphanet 144, MedGen C4552100, MONDO:0005835. Disease mechanism: loss of function.

Allele frequency attached by ClinVar (database versions not stated): gnomAD exomes below 0.00001 and 0.00001; TOPMed 0.00001; ExAC 0.00002; gnomAD 0.00003.
gnomAD v4.1: 20 of 1,611,176 alleles (0.0012%); highest among the groups gnomAD compares: East Asian, 0.009%; no homozygotes.

Submissions (14):

Women's Health and Genetics/Laboratory Corporation of America, LabCorp
Classification: Uncertain significance. Last evaluated: 2025-11-17. Review status: criteria provided, single submitter. Criteria: LabCorp Variant Classification Summary - May 2015. Collection method: clinical testing. Allele origin: germline.
Comment: Variant summary: MSH6 c.-2G>T is located in the untranslated mRNA region upstream of the initiation codon. The variant allele was found at a frequency of 1.2e-05 in 244064 control chromosomes. The available data on variant occurrences in the general population are insufficient to allow any conclusion about variant significance. c.-2G>T has been reported in the literature (Liu_2016). These report(s) do not provide unequivocal conclusions about association of the variant with Hereditary Nonpolyposis Colorectal Cancer. To our knowledge, no experimental evidence demonstrating an impact on protein function has been reported. The following publication have been ascertained in the context of this evaluation (PMID: 26888055). ClinVar contains an entry for this variant (Variation ID: 142219). Based on the evidence outlined above, the variant was classified as uncertain significance.

Quest Diagnostics Nichols Institute San Juan Capistrano
Classification: Uncertain significance. Last evaluated: 2025-07-23. Review status: criteria provided, single submitter. Criteria: Quest Diagnostics criteria. Collection method: clinical testing. Allele origin: unknown.
Comment: The MSH6 c.-2G>T variant has been reported in the published literature in an individual with colorectal cancer (PMID: 34197922 (2021)) and in an individual with a family history of pancreatic cancer (PMID: 33939675 (2021)). The frequency of this variant in the general population (Genome Aggregation Database) is uninformative in the assessment of its pathogenicity. Based on the available information, we are unable to determine the clinical significance of this variant.

Center for Genomic Medicine, Rigshospitalet, Copenhagen University Hospital
Classification: Uncertain significance. Last evaluated: 2025-03-04. Review status: criteria provided, single submitter. Criteria: ACMG Guidelines, 2015. Collection method: clinical testing. Allele origin: germline.

Institute for Biomarker Research, Medical Diagnostic Laboratories, L.L.C.
Classification: Likely benign for Hereditary cancer-predisposing syndrome. Last evaluated: 2024-11-05. Review status: criteria provided, single submitter. Criteria: ACMG Guidelines, 2015. Collection method: clinical testing. Allele origin: germline.
Comment: The 5' prime UTR variant NM_000179.3(MSH6):c.-2G>T has not been reported previously as a pathogenic variant nor as a benign variant, to our knowledge. The c.-2G>T variant is observed in 1/17,840 (0.0056%) alleles from individuals of gnomAD East Asian background in gnomAD. The c.-2G>T variant is novel (not in any individuals) in 1kG. The c.-2G>T variant is a UTR variant. For these reasons, this variant has been classified as Likely Benig

Blueprint Genetics
Classification: Likely benign. Last evaluated: 2024-03-26. Review status: criteria provided, single submitter. Criteria: ACMG Guidelines, 2015. Collection method: clinical testing. Allele origin: germline.

CHEO Genetics Diagnostic Laboratory, Children's Hospital of Eastern Ontario
Classification: Uncertain significance for Breast and/or ovarian cancer. Last evaluated: 2023-01-05. Review status: criteria provided, single submitter. Criteria: ACMG Guidelines, 2015. Collection method: clinical testing. Allele origin: germline.

GeneDx
Classification: Likely benign. Last evaluated: 2021-09-27. Review status: criteria provided, single submitter. Criteria: GeneDx Variant Classification Process June 2021. Collection method: clinical testing. Allele origin: germline. Affected: yes.
Comment: This variant is associated with the following publications: (PMID: 26888055)

Genetic Services Laboratory, University of Chicago
Classification: Uncertain significance. Last evaluated: 2021-08-27. Review status: criteria provided, single submitter. Criteria: ACMG Guidelines, 2015. Collection method: clinical testing. Allele origin: germline. Affected: no.
Comment: DNA sequence analysis of the MSH6 gene demonstrated a homozygous sequence change in the 5√¢‚Ç¨‚Ñ¢ UTR, c.-2G>T. This sequence change has been described in the gnomAD database with a frequency of 0.01% in the East Asian subpopulation (dbSNP rs374748889). This sequence change is not clearly predicted to have a deleterious effect on splicing based on in silico splice prediction programs. This change does not appear to have been previously described in individuals with MSH6-related disorders. The functional significance of this sequence change is not known at present and its contribution to this individual's disease phenotype cannot definitively be determined.

Ambry Genetics
Classification: Likely benign for Hereditary cancer-predisposing syndrome. Last evaluated: 2018-07-17. Review status: criteria provided, single submitter. Criteria: Ambry Variant Classification Scheme 2023. Collection method: clinical testing. Allele origin: germline.

Labcorp Genetics (formerly Invitae), Labcorp
Classification: Uncertain significance for Lynch syndrome. Last evaluated: 2015-06-13. Review status: criteria provided, single submitter. Criteria: Invitae Variant Classification Sherloc (09022015). Collection method: clinical testing. Allele origin: germline.
Comment: This sequence change falls in the 5' UTR promoter region of the MSH6 gene. It does not change the encoded amino acid sequence of the MSH6 protein. This variant has not been published in the literature and is present in population databases (rs374748889, 0.02%). ClinVar contains an entry for this variant (RCV000131214). In summary, this is a rare 5' non-coding change with uncertain impact on protein function. It has been classified as a Variant of Uncertain Significance.

Labcorp Genetics (formerly Invitae), Labcorp
Classification: Uncertain significance for Hereditary nonpolyposis colorectal neoplasms. Last evaluated: 2015-06-13. Review status: criteria provided, single submitter. Criteria: Invitae Variant Classification Sherloc (09022015). Collection method: clinical testing. Allele origin: germline.
Comment: This sequence change falls in the 5' UTR promoter region of the MSH6 gene. It does not change the encoded amino acid sequence of the MSH6 protein. In summary, this is a rare 5' non-coding change with uncertain impact on protein function. It has been classified as a Variant of Uncertain Significance. This variant has not been published in the literature and is present in population databases (rs374748889, 0.02%). ClinVar contains an entry for this variant (RCV000131214).

Color Diagnostics, LLC DBA Color Health
Classification: Likely benign for Hereditary cancer-predisposing syndrome. Last evaluated: 2015-04-25. Review status: criteria provided, single submitter. Criteria: ACMG Guidelines, 2015. Collection method: clinical testing. Allele origin: germline.

PreventionGenetics, part of Exact Sciences
Classification: Likely benign for MSH6-related condition. Last evaluated: 2019-05-23. Review status: no assertion criteria provided. Collection method: clinical testing. Allele origin: germline. Not counted in ClinVar's aggregate classification.
Comment: This variant is classified as likely benign based on ACMG/AMP sequence variant interpretation guidelines (Richards et al. 2015 PMID: 25741868, with internal and published modifications).

Department of Pathology and Laboratory Medicine, Sinai Health System
Classification: Uncertain significance for Lynch syndrome. Review status: no assertion criteria provided. Collection method: clinical testing. Allele origin: unknown. Affected: yes. Study: The Canadian Open Genetics Repository (COGR). Not counted in ClinVar's aggregate classification.
Comment: MSH6, EXON1, c.-2G>T, r.(spl)?, Heterozygous, Uncertain Significance The MSH6 c.-2G>T variant was not identified in the literature in an affected population. The variant was identified in dbSNP (ID: rs374748889 as â€šÃ„ÃºWith other alleleâ€šÃ„Ã¹) and ClinVar (classified as likely benign by GeneDx and classified as uncertain significance by Ambry Genetics, Invitae, COGR, Quest Diagnostics, and Integrated Genetics). The variant was not identified in Cosmic, MutDB, UMD-LSDB, Zhejiang University Database, Mismatch Repair Genes Variant Database or Insight Hereditary Tumors database. The variant was identified in control databases in 5 of 270534 chromosomes at a frequency of 0.00002 (Genome Aggregation Database Feb 27, 2017). The variant was observed in the following populations: Other in 1 of 6350 chromosomes (freq: 0.0002), East Asian in 3 of 18528 chromosomes (freq: 0.0002), and South Asian in 1 of 30416 chromosomes (freq: 0.00003); it was not observed in the African, Latino, European Non-Finnish, Ashkenazi Jewish or Finnish populations. The variant is located in the MSH6 promoter region (Liu 2016), which could result in reduced gene expression but further study would be needed to confirm this. In summary, based on the above information, the clinical significance of this variant cannot be determined with certainty at this time. This variant is classified as a variant of uncertain significance.

Literature cited by the submitters: PubMed 26888055 (cited by Women's Health and Genetics/Laboratory Corporation of America, LabCorp and Quest Diagnostics Nichols Institute San Juan Capistrano); PubMed 33939675 (cited by Quest Diagnostics Nichols Institute San Juan Capistrano); PubMed 28301460 (cited by Quest Diagnostics Nichols Institute San Juan Capistrano); PubMed 34197922 (cited by Quest Diagnostics Nichols Institute San Juan Capistrano).